The following is an entry in ClinVar:

NM_000051.4(ATM):c.839T>C (p.Ile280Thr)

Gene: ATM (ATM serine/threonine kinase; plus strand). Cytogenetic location: 11q22.3.
Variant type: single nucleotide variant.
Coding change: c.839T>C on transcript NM_000051.4 (MANE Select); coding-DNA position 839, T replaced by C.
Protein change: p.Ile280Thr; replaces isoleucine 280 with threonine.
Molecular consequence: missense variant.
Genome position (GRCh38, 1-based): chr11:108,244,964, T>C. VCF-style: chr11-108244964-T-C. GRCh37 (hg19) VCF-style: chr11-108115691-T-C.
Other names: c.839T>C, p.Ile280Thr (NM_001351834.2); short protein forms I280T.
Identifiers: ClinVar variation 141879 (VCV000141879.14), dbSNP rs587782080, ClinGen allele CA166675.
Genomic context (GRCh38, chr11:108,244,964, plus strand): 5'-CCACTTTGCTTTATATTTGGACTCAACATAGGCTTAATGATTCTTTAAAAGAAGTCATTA[T>C]TGAATTATTTCAACTGCAAATTTATATCCATCATCCGAAAGGAGCCAAAACCCAAGAAAA-3'
Protein context (NP_000042.3, residues 270-290): RLNDSLKEVI[Ile280Thr]ELFQLQIYIH

ClinVar aggregate classification (germline): Uncertain significance. Review status: criteria provided, multiple submitters, no conflicts (2 of 4 stars). 3 submissions from 3 submitters: Uncertain significance (3). Last evaluated 2024-06-07.

Conditions:
Hereditary cancer-predisposing syndrome. Also called: Neoplastic Syndromes, Hereditary; Hereditary Cancer Syndrome; Hereditary neoplastic syndrome; Tumor predisposition. Identifiers: Orphanet 140162, MedGen C0027672, MeSH D009386, MONDO:0015356.
Familial cancer of breast. Also called: Hereditary breast cancer; hereditary breast carcinoma; BREAST CANCER, FAMILIAL. Identifiers: Orphanet 227535, MedGen C0346153, MONDO:0016419, OMIM 114480. Disease mechanism: loss of function.
Ataxia-telangiectasia syndrome (AT). Also called: Cerebello-oculocutaneous telangiectasia; Immunodeficiency with ataxia telangiectasia; Ataxia-telangiectasia, complementation group D; AT, COMPLEMENTATION GROUP C; ATAXIA-TELANGIECTASIA, FRESNO VARIANT; ATAXIA-TELANGIECTASIA, COMPLEMENTATION GROUP A. Identifiers: Orphanet 100, MedGen C0004135, MONDO:0008840, OMIM 208900.

Allele frequency attached by ClinVar (database versions not stated): TOPMed below 0.00001; gnomAD 0.00001.
gnomAD v4.1: 1 of 1,613,022 alleles (0.000062%); highest among the groups gnomAD compares: African/African-American, 0.0013%; no homozygotes.

Submissions (3):

Fulgent Genetics
Classification: Uncertain significance for Familial cancer of breast; Ataxia-telangiectasia syndrome. Last evaluated: 2024-06-07. Review status: criteria provided, single submitter. Criteria: ACMG Guidelines, 2015. Collection method: clinical testing. Allele origin: germline.

Labcorp Genetics (formerly Invitae), Labcorp
Classification: Uncertain significance for Ataxia-telangiectasia syndrome. Last evaluated: 2023-11-07. Review status: criteria provided, single submitter. Criteria: Invitae Variant Classification Sherloc (09022015). Collection method: clinical testing. Allele origin: germline.
Comment: This sequence change replaces isoleucine, which is neutral and non-polar, with threonine, which is neutral and polar, at codon 280 of the ATM protein (p.Ile280Thr). This variant is not present in population databases (gnomAD no frequency). This variant has not been reported in the literature in individuals affected with ATM-related conditions. ClinVar contains an entry for this variant (Variation ID: 141879). An algorithm developed to predict the effect of missense changes on protein structure and function (PolyPhen-2) suggests that this variant is likely to be disruptive. In summary, the available evidence is currently insufficient to determine the role of this variant in disease. Therefore, it has been classified as a Variant of Uncertain Significance.

Ambry Genetics
Classification: Uncertain significance for Hereditary cancer-predisposing syndrome. Last evaluated: 2023-10-21. Review status: criteria provided, single submitter. Criteria: Ambry Variant Classification Scheme 2023. Collection method: clinical testing. Allele origin: germline.
Comment: The p.I280T variant (also known as c.839T>C), located in coding exon 6 of the ATM gene, results from a T to C substitution at nucleotide position 839. The isoleucine at codon 280 is replaced by threonine, an amino acid with similar properties. This amino acid position is well conserved in available vertebrate species. In addition, the in silico prediction for this alteration is inconclusive. Since supporting evidence is limited at this time, the clinical significance of this alteration remains unclear.